The following is an entry in ClinVar:

NM_032590.5(KDM2B):c.2897C>T (p.Ala966Val)

Gene: KDM2B (lysine demethylase 2B; minus strand). Cytogenetic location: 12q24.31.
Variant type: single nucleotide variant.
Coding change: c.2897C>T on transcript NM_032590.5 (MANE Select); coding-DNA position 2897, C replaced by T.
Protein change: p.Ala966Val; replaces alanine 966 with valine.
Molecular consequence: missense variant.
Genome position (GRCh38, 1-based): chr12:121,442,544, G>A on the plus strand (C>T on the coding strand, the complement: KDM2B is on the minus strand). VCF-style: chr12-121442544-G-A. GRCh37 (hg19) VCF-style: chr12-121880347-G-A.
Other names: c.2690C>T, p.Ala897Val (NM_001005366.2); short protein forms A897V, A966V.
Identifiers: ClinVar variation 3863402 (VCV003863402.2).

ClinVar aggregate classification (germline): Uncertain significance. Review status: criteria provided, multiple submitters, no conflicts (2 of 4 stars). 2 submissions from 2 submitters: Uncertain significance (2). Last evaluated 2025-07-08.

Conditions:
Inborn genetic diseases. Identifiers: MedGen C0950123, MeSH D030342.
KDM2B-related disorder. Also called: KDM2B-related condition.

gnomAD v4.1: 2 of 1,599,888 alleles (0.00013%); highest among the groups gnomAD compares: Admixed American, 0.0017%; no homozygotes.

Submissions (2):

PreventionGenetics, part of Exact Sciences
Classification: Uncertain significance for KDM2B-related condition. Last evaluated: 2025-07-08. Review status: criteria provided, single submitter. Criteria: ACMG Guidelines, 2015. Collection method: clinical testing. Allele origin: germline.
Comment: The KDM2B c.2897C>T variant is predicted to result in the amino acid substitution p.Ala966Val. To our knowledge, this variant has not been reported in the literature or in a large population database (gnomAD), indicating this variant is rare. At this time, the clinical significance of this variant is uncertain due to the absence of conclusive functional and genetic evidence.

Ambry Genetics
Classification: Uncertain significance for Inborn genetic diseases. Last evaluated: 2025-01-21. Review status: criteria provided, single submitter. Criteria: Ambry Variant Classification Scheme 2023. Collection method: clinical testing. Allele origin: germline.